The following is an entry in ClinVar:

NM_001277115.2(DNAH11):c.4884C>G (p.Phe1628Leu)

Gene: DNAH11 (dynein axonemal heavy chain 11; plus strand). Cytogenetic location: 7p15.3.
Variant type: single nucleotide variant.
Coding change: c.4884C>G on transcript NM_001277115.2 (MANE Select); coding-DNA position 4884, C replaced by G.
Protein change: p.Phe1628Leu; replaces phenylalanine 1628 with leucine.
Molecular consequence: missense variant.
Genome position (GRCh38, 1-based): chr7:21,639,005, C>G. VCF-style: chr7-21639005-C-G. GRCh37 (hg19) VCF-style: chr7-21678623-C-G.
Other names: short protein forms F1628L.
Identifiers: ClinVar variation 410835 (VCV000410835.12), dbSNP rs762090852, ClinGen allele CA4180209.
Genomic context (GRCh38, chr7:21,639,005, plus strand): 5'-TCTTTGTGAAAAAGCTCTCGCTGAATACCTGGAAACCAAGCGCATAGCCTTTCCTCGCTT[C>G]TATTTCGTCTCTTCTGCTGATTTACTTGACATTCTCTCAAAAGGAGCTCAGCCTAAACAG-3'
Protein context (NP_001264044.1, residues 1618-1638): LETKRIAFPR[Phe1628Leu]YFVSSADLLD

ClinVar aggregate classification (germline): Conflicting classifications of pathogenicity. Review status: criteria provided, conflicting classifications (1 of 4 stars). 3 submissions from 3 submitters: Uncertain significance (2); Likely benign (1). Last evaluated 2024-03-14.

Conditions:
Primary ciliary dyskinesia. Also called: Ciliary dyskinesia. Identifiers: Orphanet 244, MedGen C0008780, MONDO:0016575, HP:0012265.

Allele frequency attached by ClinVar (database versions not stated): TOPMed 0.00001; gnomAD 0.00003 and 0.00004.

Submissions (3):

Labcorp Genetics (formerly Invitae), Labcorp
Classification: Likely benign for Primary ciliary dyskinesia. Last evaluated: 2024-03-14. Review status: criteria provided, single submitter. Criteria: Invitae Variant Classification Sherloc (09022015). Collection method: clinical testing. Allele origin: germline.

Blueprint Genetics
Classification: Uncertain significance. Last evaluated: 2023-05-19. Review status: criteria provided, single submitter. Criteria: ACMG Guidelines, 2015. Collection method: clinical testing. Allele origin: germline.

Ambry Genetics
Classification: Uncertain significance for Primary ciliary dyskinesia. Last evaluated: 2017-08-07. Review status: criteria provided, single submitter. Criteria: Ambry Variant Classification Scheme 2023. Collection method: clinical testing. Allele origin: germline.
Comment: The p.F1628L variant (also known as c.4884C>G), located in coding exon 28 of the DNAH11 gene, results from a C to G substitution at nucleotide position 4884. The phenylalanine at codon 1628 is replaced by leucine, an amino acid with highly similar properties. This amino acid position is highly conserved in available vertebrate species. In addition, this alteration is predicted to be deleterious by in silico analysis. Since supporting evidence is limited at this time, the clinical significance of this alteration remains unclear.